The following is an entry in ClinVar:

NM_015335.5(MED13L):c.6277C>T (p.Gln2093Ter)

Gene: MED13L (mediator complex subunit 13L; minus strand). Cytogenetic location: 12q24.21.
Variant type: single nucleotide variant.
Coding change: c.6277C>T on transcript NM_015335.5 (MANE Select); coding-DNA position 6277, C replaced by T.
Protein change: p.Gln2093Ter; replaces glutamine 2093 with a stop codon.
Molecular consequence: nonsense.
Genome position (GRCh38, 1-based): chr12:115,966,192, G>A on the plus strand (C>T on the coding strand, the complement: MED13L is on the minus strand). VCF-style: chr12-115966192-G-A. GRCh37 (hg19) VCF-style: chr12-116403997-G-A.
Other names: short protein forms Q2093*.
Identifiers: ClinVar variation 3254682 (VCV003254682.1), dbSNP rs2499956371.

ClinVar aggregate classification (germline): Pathogenic (1 of 4 stars; one submission).

Conditions:
Cardiac anomalies - developmental delay - facial dysmorphism syndrome (MRFACD). Also called: MED13L Syndrome; Impaired intellectual development and distinctive facial features with or without cardiac defects. Identifiers: Orphanet 369891, MedGen C5192431, MONDO:0014773, OMIM 616789.

Submission:

Victorian Clinical Genetics Services, Murdoch Childrens Research Institute
Classification: Pathogenic for Cardiac anomalies - developmental delay - facial dysmorphism syndrome. Last evaluated: 2023-12-21. Review status: criteria provided, single submitter. Criteria: ACMG Guidelines, 2015. Collection method: clinical testing. Allele origin: germline. Inheritance: Autosomal dominant inheritance. Affected: yes.
Comment: Based on the classification scheme VCGS_Germline_v1.3.4, this variant is classified as Pathogenic. Following criteria are met: 0102 - Loss of function is a known mechanism of disease in this gene and is associated with impaired intellectual development and distinctive facial features with or without cardiac defects (MIM#616789). (I) 0107 - This gene is associated with autosomal dominant disease. (I) 0115 - Variants in this gene are known to have variable expressivity (PMID: 29511999). (I) 0201 - Variant is predicted to cause nonsense-mediated decay (NMD) and loss of protein (premature termination codon is located at least 54 nucleotides upstream of the final exon-exon junction). (SP) 0251 - This variant is heterozygous. (I) 0301 - Variant is absent from gnomAD (both v2 and v3). (SP) 0701 - Other NMD-predicted variants comparable to the one identified in this case have very strong previous evidence for pathogenicity. Many NMD-predicted variants have previously been reported as pathogenic (ClinVar). (SP) 0807 - This variant has no previous evidence of pathogenicity. (I) 0905 - No published segregation evidence has been identified for this variant. (I) 1007 - No published functional evidence has been identified for this variant. (SP) Legend: (SP) - Supporting pathogenic, (I) - Information, (SB) - Supporting benign

Literature cited by the submitters: PubMed 29511999.